The following is an entry in ClinVar:

NC_000020.10:g.(?_43703639)_(43703817_?)dup

Gene: STK4 (serine/threonine kinase 4; plus strand). Cytogenetic location: 20q13.12.
Variant type: Duplication.
Identifiers: ClinVar variation 2425560 (VCV002425560.7).

ClinVar aggregate classification (germline): Uncertain significance (1 of 4 stars; one submission).

Conditions:
Combined immunodeficiency due to STK4 deficiency (IMD110). Also called: STK4 DEFICIENCY; MST1 DEFICIENCY; T-cell immunodeficiency, recurrent infections, and autoimmunity with or without cardiac malformations. Identifiers: Orphanet 314689, MedGen C3553943, MONDO:0013934, OMIM 614868.

Submission:

Labcorp Genetics (formerly Invitae), Labcorp
Classification: Uncertain significance for Combined immunodeficiency due to STK4 deficiency. Last evaluated: 2021-12-31. Review status: criteria provided, single submitter. Criteria: Invitae Variant Classification Sherloc (09022015). Collection method: clinical testing. Allele origin: germline.
Comment: This variant results in a copy number gain of the genomic region encompassing exon(s) 11 of the STK4 gene. This region includes the termination codon of the gene. This copy number gain extends beyond the assayed region for this gene and therefore may encompass additional genes. As the precise location of this event is unknown, it may be in tandem or it may be located elsewhere in the genome. In summary, the available evidence is currently insufficient to determine the role of this variant in disease. Therefore, it has been classified as a Variant of Uncertain Significance. Experimental studies and prediction algorithms are not available or were not evaluated, and the functional significance of this variant is currently unknown. This variant has not been reported in the literature in individuals affected with STK4-related conditions.